The following is an entry in ClinVar:

NM_000051.4(ATM):c.3532A>G (p.Lys1178Glu)

Gene: ATM (ATM serine/threonine kinase; plus strand). Cytogenetic location: 11q22.3.
Variant type: single nucleotide variant.
Coding change: c.3532A>G on transcript NM_000051.4 (MANE Select); coding-DNA position 3532, A replaced by G.
Protein change: p.Lys1178Glu; replaces lysine 1178 with glutamic acid.
Molecular consequence: missense variant.
Genome position (GRCh38, 1-based): chr11:108,281,124, A>G. VCF-style: chr11-108281124-A-G. GRCh37 (hg19) VCF-style: chr11-108151851-A-G.
Other names: c.3532A>G, p.Lys1178Glu (NM_001351834.2); short protein forms K1178E.
Identifiers: ClinVar variation 481160 (VCV000481160.43), dbSNP rs1555091359, ClinGen allele CA382520195.

ClinVar aggregate classification (germline): Uncertain significance. Review status: criteria provided, multiple submitters, no conflicts (2 of 4 stars). 6 submissions from 6 submitters: Uncertain significance (5). 1 of the submissions does not count toward it. Last evaluated 2025-05-05.

Conditions:
Ataxia-telangiectasia syndrome (AT). Also called: ATAXIA-TELANGIECTASIA, COMPLEMENTATION GROUP A; ATAXIA-TELANGIECTASIA, FRESNO VARIANT; Ataxia-telangiectasia; Cerebello-oculocutaneous telangiectasia; Immunodeficiency with ataxia telangiectasia; Ataxia telangiectasia (A-T). Identifiers: Orphanet 100, MedGen C0004135, MONDO:0008840, OMIM 208900.
Hereditary cancer-predisposing syndrome. Also called: Hereditary neoplastic syndrome; Tumor predisposition; Neoplastic Syndromes, Hereditary; Hereditary Cancer Syndrome. Identifiers: Orphanet 140162, MedGen C0027672, MeSH D009386, MONDO:0015356.

Allele frequency attached by ClinVar (database versions not stated): gnomAD 0.00001.
gnomAD v4.1: 5 of 1,613,946 alleles (0.00031%); highest among the groups gnomAD compares: African/African-American, 0.0013%; no homozygotes.

Submissions (6):

Labcorp Genetics (formerly Invitae), Labcorp
Classification: Uncertain significance for Ataxia-telangiectasia syndrome. Last evaluated: 2025-05-05. Review status: criteria provided, single submitter. Criteria: Invitae Variant Classification Sherloc (09022015). Collection method: clinical testing. Allele origin: germline.
Comment: This sequence change replaces lysine, which is basic and polar, with glutamic acid, which is acidic and polar, at codon 1178 of the ATM protein (p.Lys1178Glu). This variant is not present in population databases (gnomAD no frequency). This variant has not been reported in the literature in individuals affected with ATM-related conditions. ClinVar contains an entry for this variant (Variation ID: 481160). Invitae Evidence Modeling of protein sequence and biophysical properties (such as structural, functional, and spatial information, amino acid conservation, physicochemical variation, residue mobility, and thermodynamic stability) indicates that this missense variant is not expected to disrupt ATM protein function with a negative predictive value of 95%. In summary, the available evidence is currently insufficient to determine the role of this variant in disease. Therefore, it has been classified as a Variant of Uncertain Significance.

Ambry Genetics
Classification: Uncertain significance for Hereditary cancer-predisposing syndrome. Last evaluated: 2024-11-12. Review status: criteria provided, single submitter. Criteria: Ambry Variant Classification Scheme 2023. Collection method: clinical testing. Allele origin: germline.
Comment: The p.K1178E variant (also known as c.3532A>G), located in coding exon 23 of the ATM gene, results from an A to G substitution at nucleotide position 3532. The lysine at codon 1178 is replaced by glutamic acid, an amino acid with similar properties. This amino acid position is not well conserved in available vertebrate species. In addition, this alteration is predicted to be tolerated by in silico analysis. Based on the available evidence, the clinical significance of this variant remains unclear.

Color Diagnostics, LLC DBA Color Health
Classification: Uncertain significance for Hereditary cancer-predisposing syndrome. Last evaluated: 2023-12-05. Review status: criteria provided, single submitter. Criteria: ACMG Guidelines, 2015. Collection method: clinical testing. Allele origin: germline.
Comment: This missense variant replaces lysine with glutamic acid at codon 1178 of the ATM protein. Computational prediction suggests that this variant may not impact protein structure and function (internally defined REVEL score threshold <= 0.5, PMID: 27666373). To our knowledge, functional studies have not been reported for this variant. This variant has not been reported in individuals affected with ATM-related disorders in the literature. This variant has not been identified in the general population by the Genome Aggregation Database (gnomAD). The available evidence is insufficient to determine the role of this variant in disease conclusively. Therefore, this variant is classified as a Variant of Uncertain Significance.

CeGaT Center for Human Genetics Tuebingen
Classification: Uncertain significance. Last evaluated: 2023-09-01. Review status: criteria provided, single submitter. Criteria: CeGaT Center For Human Genetics Tuebingen Variant Classification Criteria Version 2. Collection method: clinical testing. Allele origin: germline. Affected: yes. Observed: 1 variant allele.
Comment: ATM: PM2:Supporting, BP4

GeneDx
Classification: Uncertain significance. Last evaluated: 2019-12-20. Review status: criteria provided, single submitter. Criteria: GeneDx Variant Classification Process June 2021. Collection method: clinical testing. Allele origin: germline. Affected: yes.
Comment: Not observed in large population cohorts (Lek 2016); In silico analysis, which includes protein predictors and evolutionary conservation, supports that this variant does not alter protein structure/function; Has not been previously published as pathogenic or benign to our knowledge

Natera, Inc.
Classification: Uncertain significance for Ataxia-telangiectasia. Last evaluated: 2025-01-28. Review status: no assertion criteria provided. Collection method: clinical testing. Allele origin: germline. Not counted in ClinVar's aggregate classification.